The following is an entry in ClinVar:

NM_001394062.1(MACF1):c.19490G>A (p.Gly6497Asp)

Gene: MACF1 (microtubule actin crosslinking factor 1; plus strand). Cytogenetic location: 1p34.3.
Variant type: single nucleotide variant.
Coding change: c.19490G>A on transcript NM_001394062.1 (MANE Select); coding-DNA position 19490, G replaced by A.
Protein change: p.Gly6497Asp; replaces glycine 6497 with aspartic acid.
Molecular consequence: missense variant.
Genome position (GRCh38, 1-based): chr1:39,444,720, G>A. VCF-style: chr1-39444720-G-A. GRCh37 (hg19) VCF-style: chr1-39910392-G-A.
Other names: c.7568G>A, p.Gly2523Asp (NM_001397473.1); c.13313G>A, p.Gly4438Asp (NM_012090.5); short protein forms G2523D, G4438D, G6497D.
Identifiers: ClinVar variation 3369069 (VCV003369069.1).
Genomic context (GRCh38, chr1:39,444,720, plus strand): 5'-AGGAACTCTATTCCCAGCTGAAAGCCAAGGAAGAGACTTATAATCAACTACTTGACAAGG[G>A]CAGACTCATGCTTCTAAGCCGTGACGACTCTGGGTCTGGCTCCAAGACAGAACAGAGTGT-3'
Protein context (NP_001380991.1, residues 6487-6507): EETYNQLLDK[Gly6497Asp]RLMLLSRDDS

ClinVar aggregate classification (germline): Uncertain significance (1 of 4 stars; one submission).

Submission:

GeneDx
Classification: Uncertain significance. Last evaluated: 2024-02-08. Review status: criteria provided, single submitter. Criteria: GeneDx Variant Classification Process June 2021. Collection method: clinical testing. Allele origin: germline. Affected: yes.
Comment: Not observed at significant frequency in large population cohorts (gnomAD); In silico analysis supports that this missense variant has a deleterious effect on protein structure/function; Has not been previously published as pathogenic or benign to our knowledge